The following is an entry in ClinVar:

ClinVar aggregate classification (germline): Benign/Likely benign. Review status: criteria provided, multiple submitters, no conflicts (2 of 4 stars). 6 submissions from 6 submitters: Benign (5); Likely benign (1). Last evaluated 2026-02-03.

Conditions:
Neonatal-onset encephalopathy with rigidity and seizures. Also called: Lethal neonatal spasticity-epileptic encephalopathy syndrome. Identifiers: Orphanet 435845, MedGen C3281029, MONDO:0013784, OMIM 614498.

Allele frequency attached by ClinVar (database versions not stated): 1000 Genomes Project 0.09625; 1000 Genomes Project 30x 0.09713; TOPMed 0.14200; ESP Exome Variant Server 0.15134; gnomAD 0.15210 and 0.15251; gnomAD exomes 0.17488 and 0.19818; ExAC 0.17849.
gnomAD v4.1: 302,814 of 1,569,366 alleles (19%); highest among the groups gnomAD compares: Non-Finnish European, 21%; 31,752 homozygotes.

Submissions (6):

Labcorp Genetics (formerly Invitae), Labcorp
Classification: Benign for Neonatal-onset encephalopathy with rigidity and seizures. Last evaluated: 2026-02-03. Review status: criteria provided, single submitter. Criteria: Invitae Variant Classification Sherloc (09022015). Collection method: clinical testing. Allele origin: germline.

Blueprint Genetics
Classification: Likely benign. Last evaluated: 2024-11-27. Review status: criteria provided, single submitter. Criteria: ACMG Guidelines, 2015. Collection method: clinical testing. Allele origin: germline.

Unidad de Genómica Garrahan, Hospital de Pediatría Garrahan
Classification: Benign. Last evaluated: 2024-07-15. Review status: criteria provided, single submitter. Criteria: ACMG Guidelines, 2015. Collection method: clinical testing. Allele origin: germline. Affected: no. Observed: 38 variant alleles.
Comment: This variant is classified as Benign based on local population frequency. This variant was detected in 41% of patients studied in a panel designed for Epileptic and Developmental Encephalopathy and Progressive Myoclonus Epilepsy. Number of patients: 38. Only high quality variants are reported.

Mayo Clinic Laboratories, Mayo Clinic
Classification: Benign. Last evaluated: 2021-11-29. Review status: criteria provided, single submitter. Criteria: ACMG Guidelines, 2015. Collection method: clinical testing. Allele origin: germline. Observed: 78 variant alleles.

GeneDx
Classification: Benign. Last evaluated: 2018-07-27. Review status: criteria provided, single submitter. Criteria: GeneDx Variant Classification Process June 2021. Collection method: clinical testing. Allele origin: germline. Affected: yes.

Athena Diagnostics
Classification: Benign. Last evaluated: 2017-04-20. Review status: criteria provided, single submitter. Criteria: Athena Diagnostics Criteria. Collection method: clinical testing. Allele origin: germline.

NM_152743.4(BRAT1):c.699G>A (p.Thr233=)

Gene: BRAT1 (BRCA1 associated ATM activator 1; minus strand). Cytogenetic location: 7p22.3.
Variant type: single nucleotide variant.
Coding change: c.699G>A on transcript NM_152743.4 (MANE Select); coding-DNA position 699, G replaced by A.
Protein change: p.Thr233=; no amino-acid change (threonine 233 retained).
Molecular consequence: synonymous variant. On other transcripts: non-coding transcript variant (1).
Genome position (GRCh38, 1-based): chr7:2,543,694, C>T on the plus strand (G>A on the coding strand, the complement: BRAT1 is on the minus strand). VCF-style: chr7-2543694-C-T. GRCh37 (hg19) VCF-style: chr7-2583328-C-T.
Other names: p.Thr233=; c.699G>A, p.Thr233= (NM_001350626.2); c.174G>A, p.Thr58= (NM_001350627.2).
Identifiers: ClinVar variation 585492 (VCV000585492.16), dbSNP rs61753095, ClinGen allele CA4128121.